The following is an entry in ClinVar:

ClinVar aggregate classification (germline): Pathogenic. Review status: reviewed by expert panel (3 of 4 stars). 2 submissions from 2 submitters: Pathogenic (1). 1 of the submissions does not count toward it. Last evaluated 2016-10-18.

Conditions:
Breast-ovarian cancer, familial, susceptibility to, 2 (BROVCA2). Also called: BRCA2 Hereditary Breast and Ovarian Cancer. Identifiers: Orphanet 145, MedGen C2675520, MONDO:0012933, OMIM 612555. Disease mechanism: loss of function.

Submissions (2):

Evidence-based Network for the Interpretation of Germline Mutant Alleles (ENIGMA)
Classification: Pathogenic for Breast-ovarian cancer, familial, susceptibility to, 2. Last evaluated: 2016-10-18. Review status: reviewed by expert panel. Criteria: ENIGMA BRCA1/2 Classification Criteria (2015). Collection method: curation. Allele origin: germline.
Comment: Variant allele predicted to encode a truncated non-functional protein.

Consortium of Investigators of Modifiers of BRCA1/2 (CIMBA), c/o University of Cambridge
Classification: Pathogenic for Breast-ovarian cancer, familial, susceptibility to, 2. Last evaluated: 2015-10-02. Review status: criteria provided, single submitter. Criteria: CIMBA Mutation Classification guidelines May 2016. Collection method: clinical testing. Allele origin: germline. Not counted in ClinVar's aggregate classification.

NM_000059.4(BRCA2):c.8710_8711insAG (p.Leu2904fs)

Gene: BRCA2 (BRCA2 DNA repair associated; plus strand). Cytogenetic location: 13q13.1.
Variant type: Insertion.
Coding change: c.8710_8711insAG on transcript NM_000059.4 (MANE Select); coding-DNA positions 8710 to 8711, AG inserted.
Protein change: p.Leu2904fs; shifts the reading frame from leucine 2904.
Molecular consequence: frameshift variant.
Genome position: GRCh38 VCF-style: chr13-32376747-C-CAG. GRCh37 (hg19) VCF-style: chr13-32950884-C-CAG.
Other names: 8938insAG-ter2909; short protein forms L2904fs.
Identifiers: ClinVar variation 267104 (VCV000267104.5), dbSNP rs886040789, ClinGen allele CA10589514.